The following is an entry in ClinVar:

ClinVar aggregate classification (germline): Likely benign (1 of 4 stars; one submission).

Allele frequency attached by ClinVar (database versions not stated): 1000 Genomes Project 0.00679; gnomAD 0.00725 and 0.00773; 1000 Genomes Project 30x 0.00750; TOPMed 0.00807.
gnomAD v4.1: 1,086 of 152,224 alleles (0.71%); highest among the groups gnomAD compares: African/African-American, 2.5%; 15 homozygotes.

Submission:

GeneDx
Classification: Likely benign. Last evaluated: 2018-06-16. Review status: criteria provided, single submitter. Criteria: GeneDx Variant Classification (06012015). Collection method: clinical testing. Allele origin: germline. Affected: yes.
Comment: This variant is considered likely benign or benign based on one or more of the following criteria: it is a conservative change, it occurs at a poorly conserved position in the protein, it is predicted to be benign by multiple in silico algorithms, and/or has population frequency not consistent with disease.

NM_001101426.4(CRPPA):c.789+276C>T

Gene: CRPPA (CDP-L-ribitol pyrophosphorylase A; minus strand). Cytogenetic location: 7p21.2.
Variant type: single nucleotide variant.
Coding change: c.789+276C>T on transcript NM_001101426.4 (MANE Select); 276 bases into the intron after coding-DNA position 789, C replaced by T.
Molecular consequence: intron variant.
Genome position (GRCh38, 1-based): chr7:16,308,247, G>A on the plus strand (C>T on the coding strand, the complement: CRPPA is on the minus strand). VCF-style: chr7-16308247-G-A. GRCh37 (hg19) VCF-style: chr7-16347872-G-A.
Other names: c.639+276C>T (NM_001101417.4); c.685-6781C>T (NM_001368197.1).
Identifiers: ClinVar variation 673608 (VCV000673608.1), dbSNP rs77362308, ClinGen allele CA154751811.